The following is an entry in ClinVar:

ClinVar aggregate classification (germline): Uncertain significance (1 of 4 stars; one submission).

Submission:

Ambry Genetics
Classification: Uncertain significance. Last evaluated: 2025-01-10. Review status: criteria provided, single submitter. Criteria: Ambry Variant Classification Scheme 2023. Collection method: clinical testing. Allele origin: germline.
Comment: The c.1532+4T>C intronic variant results from a T to C substitution 4 nucleotides after coding exon 15 in the KIF1B gene. This nucleotide position is not well conserved in available vertebrate species. In silico splice site analysis predicts that this alteration will not have any significant effect on splicing. The evidence for this gene-disease relationship is limited; therefore, the clinical significance of this alteration is unclear.

NM_001365951.3(KIF1B):c.1670+4T>C

Gene: KIF1B (kinesin family member 1B; plus strand). Cytogenetic location: 1p36.22.
Variant type: single nucleotide variant.
Coding change: c.1670+4T>C on transcript NM_001365951.3 (MANE Select); 4 bases into the intron after coding-DNA position 1670, T replaced by C.
Molecular consequence: intron variant.
Genome position (GRCh38, 1-based): chr1:10,295,169, T>C. VCF-style: chr1-10295169-T-C. GRCh37 (hg19) VCF-style: chr1-10355227-T-C.
Other names: c.1532+4T>C (NM_183416.4, NM_015074.3, NM_001365953.1); c.1670+4T>C (NM_001365952.1).
Identifiers: ClinVar variation 3864048 (VCV003864048.1).